The following is an entry in ClinVar:

ClinVar aggregate classification (germline): Uncertain significance. Review status: criteria provided, multiple submitters, no conflicts (2 of 4 stars). 5 submissions from 5 submitters: Uncertain significance (5). Last evaluated 2025-12-16.

Conditions:
Congenital myasthenic syndrome 17. Identifiers: Orphanet 590, MedGen C4225377, MONDO:0014578, OMIM 616304.
Sclerosteosis 2 (SOST2). Identifiers: Orphanet 3152, MedGen C3280402, MONDO:0013679, OMIM 614305.
Cenani-Lenz syndactyly syndrome. Also called: SYNDACTYLY, TYPE VII; CENANI SYNDACTYLISM. Identifiers: Orphanet 3258, MedGen C1859309, MONDO:0008931, OMIM 212780.
Inborn genetic diseases. Identifiers: MedGen C0950123, MeSH D030342.

Allele frequency attached by ClinVar (database versions not stated): gnomAD exomes 0.00041 and 0.00037; gnomAD 0.00045 and 0.00046; 1000 Genomes Project 30x 0.00016; ESP Exome Variant Server 0.00023; ExAC 0.00036; TOPMed 0.00053; 1000 Genomes Project 0.00020.
gnomAD v4.1: 705 of 1,613,510 alleles (0.044%); highest among the groups gnomAD compares: Middle Eastern, 0.25%; no homozygotes.

Submissions (5):

Ambry Genetics
Classification: Uncertain significance for Inborn genetic diseases. Last evaluated: 2025-12-16. Review status: criteria provided, single submitter. Criteria: Ambry Variant Classification Scheme 2023. Collection method: clinical testing. Allele origin: germline.

Dasa
Classification: Uncertain significance. Last evaluated: 2025-08-09. Review status: criteria provided, single submitter. Criteria: DASA Assertion Criteria. Collection method: clinical testing. Allele origin: germline.
Comment: NM_002334.4(LRP4):c.5182A>G (p.Ile1728Val) is a missense variant that results in the substitution of isoleucine with valine. This variant is rare in population databases. The currently available literature and clinical evidence are not sufficient to establish a definitive association between this variant and the reported condition. Therefore, this variant is classified as a variant of uncertain significance.

Labcorp Genetics (formerly Invitae), Labcorp
Classification: Uncertain significance for Cenani-Lenz syndactyly syndrome; Sclerosteosis 2; Congenital myasthenic syndrome 17. Last evaluated: 2022-10-24. Review status: criteria provided, single submitter. Criteria: Invitae Variant Classification Sherloc (09022015). Collection method: clinical testing. Allele origin: germline.
Comment: This sequence change replaces isoleucine, which is neutral and non-polar, with valine, which is neutral and non-polar, at codon 1728 of the LRP4 protein (p.Ile1728Val). This variant is present in population databases (rs148865136, gnomAD 0.08%). This variant has not been reported in the literature in individuals affected with LRP4-related conditions. ClinVar contains an entry for this variant (Variation ID: 288220). Advanced modeling of protein sequence and biophysical properties (such as structural, functional, and spatial information, amino acid conservation, physicochemical variation, residue mobility, and thermodynamic stability) performed at Invitae indicates that this missense variant is not expected to disrupt LRP4 protein function. In summary, the available evidence is currently insufficient to determine the role of this variant in disease. Therefore, it has been classified as a Variant of Uncertain Significance.

Illumina Laboratory Services, Illumina
Classification: Uncertain significance for Cenani-Lenz syndactyly syndrome. Last evaluated: 2018-01-12. Review status: criteria provided, single submitter. Criteria: ICSL Variant Classification Criteria 13 December 2019. Collection method: clinical testing. Allele origin: germline.

Eurofins Ntd Llc (ga)
Classification: Uncertain significance. Last evaluated: 2016-06-22. Review status: criteria provided, single submitter. Criteria: EGL Classification Definitions 2015. Collection method: clinical testing. Allele origin: germline. Observed: 1 variant allele, 1 heterozygote.

NM_002334.4(LRP4):c.5182A>G (p.Ile1728Val)

Genes: LRP4-AS1 (LRP4 antisense RNA 1; plus strand), LRP4 (LDL receptor related protein 4; minus strand). Cytogenetic location: 11p11.2.
Variant type: single nucleotide variant.
Coding change: c.5182A>G on transcript NM_002334.4 (MANE Select); coding-DNA position 5182, A replaced by G.
Protein change: p.Ile1728Val; replaces isoleucine 1728 with valine.
Molecular consequence: missense variant.
Genome position (GRCh38, 1-based): chr11:46,864,509, T>C on the plus strand (A>G on the coding strand, the complement: LRP4 is on the minus strand). VCF-style: chr11-46864509-T-C. GRCh37 (hg19) VCF-style: chr11-46886060-T-C.
Other names: short protein forms I1728V.
Identifiers: ClinVar variation 288220 (VCV000288220.16), dbSNP rs148865136, ClinGen allele CA5969114.